The following is an entry in ClinVar:

NM_001042492.3(NF1):c.6825dup (p.Glu2276Ter)

Gene: NF1 (neurofibromin 1; plus strand). Cytogenetic location: 17q11.2.
Variant type: Duplication.
Coding change: c.6825dup on transcript NM_001042492.3 (MANE Select); coding-DNA position 6825, one base duplicated (T; older notation c.6825dupT).
Protein change: p.Glu2276Ter; replaces glutamic acid 2276 with a stop codon.
Molecular consequence: nonsense. On other transcripts: frameshift variant (1).
Genome position (GRCh38, 1-based): chr17:31,338,709, T duplicated; the last of 2 consecutive T bases (chr17:31,338,708-31,338,709); duplicating either gives the same sequence. VCF-style (leftmost placement, unchanged base first): chr17-31338707-C-CT. GRCh37 (hg19) VCF-style: chr17-29665725-C-CT.
Other names: c.6762dup, p.Glu2255Terfs (NM_000267.4); short protein forms E2255*, E2276*.
Identifiers: ClinVar variation 2110988 (VCV002110988.4), dbSNP rs2508762371, ClinGen allele CA2580093158.

ClinVar aggregate classification (germline): Pathogenic (1 of 4 stars; one submission).

Conditions:
Neurofibromatosis, type 1 (NF1). Also called: NEUROFIBROMATOSIS, TYPE I, SOMATIC; Neurofibromatosis, type I; Peripheral type neurofibromatosis; VON RECKLINGHAUSEN DISEASE. Identifiers: Orphanet 636, MedGen C0027831, MONDO:0018975, OMIM 162200. Disease mechanism: loss of function.

Submission:

Labcorp Genetics (formerly Invitae), Labcorp
Classification: Pathogenic for Neurofibromatosis, type 1. Last evaluated: 2022-03-13. Review status: criteria provided, single submitter. Criteria: Invitae Variant Classification Sherloc (09022015). Collection method: clinical testing. Allele origin: germline.
Comment: For these reasons, this variant has been classified as Pathogenic. This variant has not been reported in the literature in individuals affected with NF1-related conditions. This variant is not present in population databases (gnomAD no frequency). This sequence change creates a premature translational stop signal (p.Glu2255*) in the NF1 gene. It is expected to result in an absent or disrupted protein product. Loss-of-function variants in NF1 are known to be pathogenic (PMID: 10712197, 23913538).

Literature cited by the submitters: PubMed 10712197; PubMed 23913538.